The following is an entry in ClinVar:

NM_000038.6(APC):c.6383C>T (p.Ala2128Val)

Gene: APC (APC regulator of Wnt signaling pathway; plus strand). Cytogenetic location: 5q22.2.
Variant type: single nucleotide variant.
Coding change: c.6383C>T on transcript NM_000038.6 (MANE Select); coding-DNA position 6383, C replaced by T.
Protein change: p.Ala2128Val; replaces alanine 2128 with valine.
Molecular consequence: missense variant.
Genome position (GRCh38, 1-based): chr5:112,841,977, C>T. VCF-style: chr5-112841977-C-T. GRCh37 (hg19) VCF-style: chr5-112177674-C-T.
Other names: c.6383C>T, p.Ala2128Val (NM_001127510.3, NM_001354895.2); c.6329C>T, p.Ala2110Val (NM_001127511.3); c.6437C>T, p.Ala2146Val (NM_001354896.2); c.6413C>T, p.Ala2138Val (NM_001354897.2); c.6308C>T, p.Ala2103Val (NM_001354898.2); c.6299C>T, p.Ala2100Val (NM_001354899.2); c.6260C>T, p.Ala2087Val (NM_001354900.2); c.6206C>T, p.Ala2069Val (NM_001354901.2); and 5 more; short protein forms A2110V, A2128V, A2002V, A2138V, A2146V, A1845V, A1968V, A2027V.
Identifiers: ClinVar variation 233045 (VCV000233045.20), dbSNP rs753228011, ClinGen allele CA044469.
Genomic context (GRCh38, chr5:112,841,977, plus strand): 5'-CAAATTCCATAGTAAGTAGTTTACATCAAGCTGCTGCTGCTGCATGTTTATCTAGACAAG[C>T]TTCGTCTGATTCAGATTCCATCCTTTCCCTGAAATCAGGAATCTCTCTGGGATCACCATT-3'
Protein context (NP_000029.2, residues 2118-2138): AAAAACLSRQ[Ala2128Val]SSDSDSILSL

ClinVar aggregate classification (germline): Conflicting classifications of pathogenicity. Review status: criteria provided, conflicting classifications (1 of 4 stars). 5 submissions from 5 submitters: Uncertain significance (4); Benign (1). Last evaluated 2025-08-03.

Conditions:
Desmoid disease, hereditary (DESMD). Also called: FIBROMATOSIS, FAMILIAL INFILTRATIVE. Identifiers: Orphanet 873, MedGen C1851124, OMIM 135290. Disease mechanism: loss of function.
Gastric cancer. Also called: Stomach cancer; Malignant tumor of stomach. Identifiers: MedGen C0024623, MeSH D013274, MONDO:0001056, OMIM 613659, HP:0012126.
Familial adenomatous polyposis 1 (FAP1). Also called: POLYPOSIS, ADENOMATOUS INTESTINAL; FAMILIAL ADENOMATOUS POLYPOSIS 1, ATTENUATED. Identifiers: MedGen C2713442, MONDO:0021056, OMIM 175100. Disease mechanism: loss of function.
Gastric adenocarcinoma and proximal polyposis of the stomach (GAPPS). Also called: Polyposis, gastric, Dos Santos and de Magalhaes 1980; POLYPOSIS, GASTRIC; Gastric Adenocarcinoma and Proximal Polyposis of the Stomach (GAPPS). Identifiers: Orphanet 314022, MedGen C4749917, MONDO:0017790, OMIM 619182.
Hepatocellular carcinoma (HCC). Also called: Primary carcinoma of liver; HEPATOMA; LIVER CELL CARCINOMA. Identifiers: Orphanet 88673, MedGen C2239176, MONDO:0007256, OMIM 114550, HP:0001402.
Colorectal cancer. Also called: Colorectal cancer, somatic; Malignant Colorectal Neoplasm. Identifiers: MedGen C0346629, MONDO:0005575, OMIM 114500.
Hereditary cancer-predisposing syndrome. Also called: Neoplastic Syndromes, Hereditary; Hereditary neoplastic syndrome; Hereditary Cancer Syndrome; Tumor predisposition. Identifiers: Orphanet 140162, MedGen C0027672, MeSH D009386, MONDO:0015356.
Classic or attenuated familial adenomatous polyposis. Identifiers: MedGen CN372698, MONDO:0021057.

Allele frequency attached by ClinVar (database versions not stated): ExAC 0.00001; gnomAD 0.00001.
gnomAD v4.1: 5 of 1,613,220 alleles (0.00031%); highest among the groups gnomAD compares: Admixed American, 0.0017%; no homozygotes.

Submissions (5):

Labcorp Genetics (formerly Invitae), Labcorp
Classification: Benign for Familial adenomatous polyposis 1. Last evaluated: 2025-08-03. Review status: criteria provided, single submitter. Criteria: Invitae Variant Classification Sherloc (09022015). Collection method: clinical testing. Allele origin: germline.

All of Us Research Program, National Institutes of Health
Classification: Uncertain significance for Classic or attenuated familial adenomatous polyposis. Last evaluated: 2024-08-13. Review status: criteria provided, single submitter. Criteria: ACMG Guidelines, 2015. Collection method: clinical testing. Allele origin: germline. Inheritance: Autosomal dominant inheritance. Observed: 3 variant alleles, 3 heterozygotes.
Comment: This missense variant replaces alanine with valine at codon 2128 of the APC protein. Computational prediction suggests that this variant may not impact protein structure and function (internally defined REVEL score threshold <= 0.5, PMID: 27666373). To our knowledge, functional studies have not been reported for this variant. This variant has not been reported in individuals affected with APC-related disorders in the literature. This variant has not been identified in the general population by the Genome Aggregation Database (gnomAD). The available evidence is insufficient to determine the role of this variant in disease conclusively. Therefore, this variant is classified as a Variant of Uncertain Significance.

This study involves interpretation of variants in research participants for the purpose of population health screening. Participant phenotype was not available at the time of variant classification. Additional details can be found in publication PMID: 35346344, PMCID: PMC8962531

Fulgent Genetics
Classification: Uncertain significance for Colorectal cancer; Hepatocellular carcinoma; Desmoid disease, hereditary; Familial adenomatous polyposis 1; Gastric cancer; Gastric adenocarcinoma and proximal polyposis of the stomach. Last evaluated: 2024-05-21. Review status: criteria provided, single submitter. Criteria: ACMG Guidelines, 2015. Collection method: clinical testing. Allele origin: germline.

Ambry Genetics
Classification: Uncertain significance for Hereditary cancer-predisposing syndrome. Last evaluated: 2024-04-05. Review status: criteria provided, single submitter. Criteria: Ambry Variant Classification Scheme 2023. Collection method: clinical testing. Allele origin: germline.
Comment: The p.A2128V variant (also known as c.6383C>T), located in coding exon 15 of the APC gene, results from a C to T substitution at nucleotide position 6383. The alanine at codon 2128 is replaced by valine, an amino acid with similar properties. This amino acid position is well conserved in available vertebrate species. In addition, in silico predictors for this gene do not accurately predict pathogenicity. Since supporting evidence is limited at this time, the clinical significance of this alteration remains unclear.

GeneDx
Classification: Uncertain significance. Last evaluated: 2022-08-11. Review status: criteria provided, single submitter. Criteria: GeneDx Variant Classification Process June 2021. Collection method: clinical testing. Allele origin: germline. Affected: yes.
Comment: Not observed at significant frequency in large population cohorts (gnomAD); In silico analysis supports that this missense variant does not alter protein structure/function; Has not been previously published as pathogenic or benign to our knowledge; This variant is associated with the following publications: (PMID: 24150215)